The following is an entry in ClinVar:

NM_022098.4(XPNPEP3):c.1093C>G (p.Leu365Val)

Gene: XPNPEP3 (X-prolyl aminopeptidase 3; plus strand). Cytogenetic location: 22q13.2.
Variant type: single nucleotide variant.
Coding change: c.1093C>G on transcript NM_022098.4 (MANE Select); coding-DNA position 1093, C replaced by G.
Protein change: p.Leu365Val; replaces leucine 365 with valine.
Molecular consequence: missense variant.
Genome position (GRCh38, 1-based): chr22:40,922,370, C>G. VCF-style: chr22-40922370-C-G. GRCh37 (hg19) VCF-style: chr22-41318374-C-G.
Other names: c.1093C>G (NM_022098.3); short protein forms L365V.
Identifiers: ClinVar variation 2070842 (VCV002070842.3), dbSNP rs775092668, ClinGen allele CA10251871.

ClinVar aggregate classification (germline): Uncertain significance. Review status: criteria provided, multiple submitters, no conflicts (2 of 4 stars). 2 submissions from 2 submitters: Uncertain significance (2). Last evaluated 2025-05-20.

Conditions:
Inborn genetic diseases. Identifiers: MedGen C0950123, MeSH D030342.
Nephronophthisis-like nephropathy 1 (NPHPL1). Identifiers: Orphanet 655, MedGen C3150419, MONDO:0013163, OMIM 613159.

Allele frequency attached by ClinVar (database versions not stated): TOPMed below 0.00001; gnomAD 0.00001; gnomAD exomes 0.00001; ExAC 0.00002.
gnomAD v4.1: 14 of 1,613,762 alleles (0.00087%); highest among the groups gnomAD compares: Middle Eastern, 0.016%; no homozygotes.

Submissions (2):

Ambry Genetics
Classification: Uncertain significance for Inborn genetic diseases. Last evaluated: 2025-05-20. Review status: criteria provided, single submitter. Criteria: Ambry Variant Classification Scheme 2023. Collection method: clinical testing. Allele origin: germline.

Labcorp Genetics (formerly Invitae), Labcorp
Classification: Uncertain significance for Nephronophthisis-like nephropathy 1. Last evaluated: 2022-05-12. Review status: criteria provided, single submitter. Criteria: Invitae Variant Classification Sherloc (09022015). Collection method: clinical testing. Allele origin: germline.
Comment: This sequence change replaces leucine, which is neutral and non-polar, with valine, which is neutral and non-polar, at codon 365 of the XPNPEP3 protein (p.Leu365Val). This variant is present in population databases (rs775092668, gnomAD 0.01%). This variant has not been reported in the literature in individuals affected with XPNPEP3-related conditions. Algorithms developed to predict the effect of missense changes on protein structure and function are either unavailable or do not agree on the potential impact of this missense change (SIFT: "Deleterious"; PolyPhen-2: "Probably Damaging"; Align-GVGD: "Class C0"). In summary, the available evidence is currently insufficient to determine the role of this variant in disease. Therefore, it has been classified as a Variant of Uncertain Significance.